The following is an entry in ClinVar:

ClinVar aggregate classification (germline): Uncertain significance (1 of 4 stars; one submission).

Conditions:
TTN-related disorder. Also called: TTN-related disorders; TTN-related condition; TTN-related disease.

gnomAD v4.1: 8 of 1,607,490 alleles (0.0005%); highest among the groups gnomAD compares: African/African-American, 0.011%; no homozygotes.

Submission:

PreventionGenetics, part of Exact Sciences
Classification: Uncertain significance for TTN-related condition. Last evaluated: 2025-11-11. Review status: criteria provided, single submitter. Criteria: ACMG Guidelines, 2015. Collection method: clinical testing. Allele origin: germline.
Comment: The TTN c.25364C>T variant is predicted to result in the amino acid substitution p.Pro8455Leu. To our knowledge, this variant has not been reported in the literature. This variant is reported in 0.017% of alleles in individuals of African descent in gnomAD. At this time, the clinical significance of this variant is uncertain due to the absence of conclusive functional and genetic evidence.

NM_001267550.2(TTN):c.25364C>T (p.Pro8455Leu)

Gene: TTN (titin; minus strand). Cytogenetic location: 2q31.2.
Variant type: single nucleotide variant.
Coding change: c.25364C>T on transcript NM_001267550.2 (MANE Select); coding-DNA position 25364, C replaced by T.
Protein change: p.Pro8455Leu; replaces proline 8455 with leucine.
Molecular consequence: missense variant. On other transcripts: intron variant (3).
Genome position (GRCh38, 1-based): chr2:178,717,370, G>A on the plus strand (C>T on the coding strand, the complement: TTN is on the minus strand). VCF-style: chr2-178717370-G-A. GRCh37 (hg19) VCF-style: chr2-179582097-G-A.
Other names: c.24413C>T, p.Pro8138Leu (NM_001256850.1); c.21632C>T, p.Pro7211Leu (NM_133378.4); c.13282+20712C>T (NM_003319.4); c.13858+20712C>T (NM_133437.4); c.13657+20712C>T (NM_133432.3); short protein forms P7211L, P8138L, P8455L.
Identifiers: ClinVar variation 4984479 (VCV004984479.1).